The following is an entry in ClinVar:

ClinVar aggregate classification (germline): Uncertain significance (1 of 4 stars; one submission).

Conditions:
Early-onset Lafora body disease. Also called: Epilepsy, progressive myoclonic, 10. Identifiers: Orphanet 324290, MedGen C4225258, MONDO:0014717, OMIM 616640.

Submission:

Labcorp Genetics (formerly Invitae), Labcorp
Classification: Uncertain significance for Early-onset Lafora body disease. Last evaluated: 2021-04-29. Review status: criteria provided, single submitter. Criteria: Invitae Variant Classification Sherloc (09022015). Collection method: clinical testing. Allele origin: germline.
Comment: In summary, the available evidence is currently insufficient to determine the role of this variant in disease. Therefore, it has been classified as a Variant of Uncertain Significance. Experimental studies and prediction algorithms are not available or were not evaluated, and the functional significance of this variant is currently unknown. This variant has not been reported in the literature in individuals with PRDM8-related conditions. The frequency data for this variant in the population databases is considered unreliable, as metrics indicate poor data quality at this position in the ExAC database. This variant, c.1761_1787del, results in the deletion of 9 amino acid(s) of the PRDM8 protein (p.Ala590_Ala598del), but otherwise preserves the integrity of the reading frame.

NM_001099403.2(PRDM8):c.1761_1787del (p.Ala590_Ala598del)

Gene: PRDM8 (PR/SET domain 8; plus strand). Cytogenetic location: 4q21.21.
Variant type: Deletion.
Coding change: c.1761_1787del on transcript NM_001099403.2 (MANE Select); coding-DNA positions 1761 to 1787, 27 bases deleted (TGCCGCTGCAGCCGCGGCTGCGGCGGC).
Protein change: p.Ala590_Ala598del.
Molecular consequence: inframe deletion.
Genome position (GRCh38, 1-based): chr4:80,203,223-80,203,249, TGCCGCTGCAGCCGCGGCTGCGGCGGC deleted; deleting any 27 consecutive bases within chr4:80,203,221-80,203,249 gives the same sequence; the c. name uses the placement nearest the transcript's 3' end. VCF-style (leftmost placement, unchanged base first): chr4-80203220-CGCTGCCGCTGCAGCCGCGGCTGCGGCG-C. GRCh37 (hg19) VCF-style: chr4-81124374-CGCTGCCGCTGCAGCCGCGGCTGCGGCG-C.
Other names: c.1761_1787del, p.Ala590_Ala598del (NM_020226.4).
Identifiers: ClinVar variation 1380633 (VCV001380633.8), dbSNP rs750030014, ClinGen allele CA2982446.
Genomic context (GRCh38, chr4:80,203,220, plus strand): 5'-CGGCGGCCTGCCTAAGCAGAGCCCCTTCCTGTACGCCACCGCCTTCTGGCCCAAGAGCTC[CGCTGCCGCTGCAGCCGCGGCTGCGGCG>C]GCGGCCGCGGGGCCCTTGCAGCTGCAGCTGCCCTCGGCGCTCACGCTGCTGCCGCCCTCC-3'